The following is an entry in ClinVar:

ClinVar aggregate classification (germline): Uncertain significance (1 of 4 stars; one submission).

Conditions:
Early-infantile DEE. Also called: Early infantile epileptic encephalopathy with suppression bursts; Early infantile epileptic encephalopathy; Ohtahara syndrome. Identifiers: Orphanet 1934, MedGen C0393706, MONDO:0800491.

Submission:

Labcorp Genetics (formerly Invitae), Labcorp
Classification: Uncertain significance for Early-infantile DEE. Last evaluated: 2023-11-12. Review status: criteria provided, single submitter. Criteria: Invitae Variant Classification Sherloc (09022015). Collection method: clinical testing. Allele origin: germline.
Comment: This sequence change affects codon 367 of the SCN1A mRNA. It is a 'silent' change, meaning that it does not change the encoded amino acid sequence of the SCN1A protein. This variant is not present in population databases (gnomAD no frequency). This variant has not been reported in the literature in individuals affected with SCN1A-related conditions. Algorithms developed to predict the effect of sequence changes on RNA splicing suggest that this variant may disrupt the consensus splice site. In summary, the available evidence is currently insufficient to determine the role of this variant in disease. Therefore, it has been classified as a Variant of Uncertain Significance.

NM_001165963.4(SCN1A):c.1101C>T (p.Thr367=)

Gene: SCN1A (sodium voltage-gated channel alpha subunit 1; minus strand). Cytogenetic location: 2q24.3.
Variant type: single nucleotide variant.
Coding change: c.1101C>T on transcript NM_001165963.4 (MANE Select); coding-DNA position 1101, C replaced by T.
Protein change: p.Thr367=; no amino-acid change (threonine 367 retained).
Molecular consequence: synonymous variant. On other transcripts: 5 prime UTR variant (1), non-coding transcript variant (1).
Genome position (GRCh38, 1-based): chr2:166,047,696, G>A on the plus strand (C>T on the coding strand, the complement: SCN1A is on the minus strand). VCF-style: chr2-166047696-G-A. GRCh37 (hg19) VCF-style: chr2-166904206-G-A.
Other names: c.1101C>T, p.Thr367= (NM_001165964.3, NM_001202435.3, NM_001353948.2 and 10 more transcripts); c.-1325C>T (NM_001353961.2).
Identifiers: ClinVar variation 2741302 (VCV002741302.3), dbSNP rs2468189503, ClinGen allele CA429903182.
Genomic context (GRCh38, chr2:166,047,696, plus strand): 5'-AAGATTTTCCCAGAAGTCCTGAGTCATTAGTCGAAACAAGGACAAAAAAGCCCAACTGAA[G>A]GTATCAAAGCTTGTGTAGCCATAATTGGGATTTCTACCAGCTTTCACACACATATATCCC-3'
Protein context (NP_001159435.1, residues 357-377): NPNYGYTSFD[Thr367=]FSWAFLSLFR